The following is an entry in ClinVar:

ClinVar aggregate classification (germline): Uncertain significance (1 of 4 stars; one submission).

Conditions:
Congenital contractural arachnodactyly (CCA). Also called: Beals-Hecht syndrome; BEALS SYNDROME; Arthrogryposis, distal, type 9. Identifiers: Orphanet 115, MedGen C0220668, MONDO:0007363, OMIM 121050.

Allele frequency attached by ClinVar (database versions not stated): gnomAD exomes below 0.00001.
gnomAD v4.1: 1 of 1,613,842 alleles (0.000062%); highest among the groups gnomAD compares: Non-Finnish European, 0.000085%; no homozygotes.

Submission:

Labcorp Genetics (formerly Invitae), Labcorp
Classification: Uncertain significance for Congenital contractural arachnodactyly. Last evaluated: 2026-01-14. Review status: criteria provided, single submitter. Criteria: Invitae Variant Classification Sherloc (09022015). Collection method: clinical testing. Allele origin: germline.
Comment: This sequence change falls in intron 49 of the FBN2 gene. It does not directly change the encoded amino acid sequence of the FBN2 protein. It affects a nucleotide within the consensus splice site. This variant is not present in population databases (gnomAD no frequency). This variant has not been reported in the literature in individuals affected with FBN2-related conditions. ClinVar contains an entry for this variant (Variation ID: 2009127). Variants that disrupt the consensus splice site are a relatively common cause of aberrant splicing (PMID: 17576681, 9536098). Algorithms developed to predict the effect of sequence changes on RNA splicing suggest that this variant is not likely to affect RNA splicing. In summary, the available evidence is currently insufficient to determine the role of this variant in disease. Therefore, it has been classified as a Variant of Uncertain Significance.

Literature cited by the submitters: PubMed 17576681; PubMed 9536098.

NM_001999.4(FBN2):c.6292+6A>G

Gene: FBN2 (fibrillin 2; minus strand). Cytogenetic location: 5q23.3.
Variant type: single nucleotide variant.
Coding change: c.6292+6A>G on transcript NM_001999.4 (MANE Select); 6 bases into the intron after coding-DNA position 6292, A replaced by G.
Molecular consequence: intron variant.
Genome position (GRCh38, 1-based): chr5:128,291,523, T>C on the plus strand (A>G on the coding strand, the complement: FBN2 is on the minus strand). VCF-style: chr5-128291523-T-C. GRCh37 (hg19) VCF-style: chr5-127627215-T-C.
Identifiers: ClinVar variation 2009127 (VCV002009127.4), dbSNP rs2479684138, ClinGen allele CA2580072571.